The following is an entry in ClinVar:

NM_014806.5(RUSC2):c.922G>T (p.Asp308Tyr)

Gene: RUSC2 (RUN and SH3 domain containing 2; plus strand). Cytogenetic location: 9p13.3.
Variant type: single nucleotide variant.
Coding change: c.922G>T on transcript NM_014806.5 (MANE Select); coding-DNA position 922, G replaced by T.
Protein change: p.Asp308Tyr; replaces aspartic acid 308 with tyrosine.
Molecular consequence: missense variant. On other transcripts: non-coding transcript variant (1), intron variant (1).
Genome position (GRCh38, 1-based): chr9:35,547,443, G>T. VCF-style: chr9-35547443-G-T. GRCh37 (hg19) VCF-style: chr9-35547440-G-T.
Other names: c.922G>T, p.Asp308Tyr (NM_001135999.2); c.-620-7617G>T (NM_001330740.2); short protein forms D308Y.
Identifiers: ClinVar variation 1525786 (VCV001525786.6), dbSNP rs201779842, ClinGen allele CA373329710.
Genomic context (GRCh38, chr9:35,547,443, plus strand): 5'-TACAACAAGATGCATGGCACCCCCCGTGCCAATCTCAACTCTGCCCCACAGTCCTGCAGC[G>T]ACTCTTCCTTCTGCAGCCACTCAGACCCTGGCGCCTTCTATCTGGATCTGCAGCCCTCCC-3'
Protein context (NP_055621.2, residues 298-318): NLNSAPQSCS[Asp308Tyr]SSFCSHSDPG

ClinVar aggregate classification (germline): Uncertain significance (1 of 4 stars; one submission).

Submission:

Labcorp Genetics (formerly Invitae), Labcorp
Classification: Uncertain significance. Last evaluated: 2022-06-13. Review status: criteria provided, single submitter. Criteria: Invitae Variant Classification Sherloc (09022015). Collection method: clinical testing. Allele origin: germline.
Comment: Algorithms developed to predict the effect of missense changes on protein structure and function are either unavailable or do not agree on the potential impact of this missense change (SIFT: "Deleterious"; PolyPhen-2: "Possibly Damaging"; Align-GVGD: "Class C0"). In summary, the available evidence is currently insufficient to determine the role of this variant in disease. Therefore, it has been classified as a Variant of Uncertain Significance. This variant has not been reported in the literature in individuals affected with RUSC2-related conditions. This variant is not present in population databases (gnomAD no frequency). This sequence change replaces aspartic acid, which is acidic and polar, with tyrosine, which is neutral and polar, at codon 308 of the RUSC2 protein (p.Asp308Tyr).